The following is an entry in ClinVar:

NM_004385.5(VCAN):c.9653G>A (p.Arg3218His)

Genes: VCAN (versican; plus strand), VCAN-AS1 (VCAN antisense RNA 1; minus strand), LOC126807443 (BRD4-independent group 4 enhancer GRCh37_chr5:82849966-82851165; plus strand). Cytogenetic location: 5q14.3.
Variant type: single nucleotide variant.
Coding change: c.9653G>A on transcript NM_004385.5 (MANE Select); coding-DNA position 9653, G replaced by A.
Protein change: p.Arg3218His; replaces arginine 3218 with histidine.
Molecular consequence: missense variant.
Genome position (GRCh38, 1-based): chr5:83,554,956, G>A. VCF-style: chr5-83554956-G-A. GRCh37 (hg19) VCF-style: chr5-82850775-G-A.
Other names: c.1430G>A, p.Arg477His (NM_001126336.3); c.6692G>A, p.Arg2231His (NM_001164097.2); c.4391G>A, p.Arg1464His (NM_001164098.2); short protein forms R3218H, R477H, R1464H, R2231H.
Identifiers: ClinVar variation 2132605 (VCV002132605.4), dbSNP rs770894290, ClinGen allele CA3334065.
Genomic context (GRCh38, chr5:83,554,956, plus strand): 5'-ATATTTTCATCCATATATGGAAAAGTAGTACAAATATCTGTGTGGTTTCCTATCCCTTAG[G>A]TGTGGGCCATGATTATCAGTGGATAGGCCTCAATGACAAGATGTTTGAGCATGACTTCCG-3'
Protein context (NP_004376.2, residues 3208-3228): LSHEEQMFVN[Arg3218His]VGHDYQWIGL

ClinVar aggregate classification (germline): Uncertain significance (1 of 4 stars; one submission).

Allele frequency attached by ClinVar (database versions not stated): ExAC 0.00001.
gnomAD v4.1: 3 of 1,613,438 alleles (0.00019%); highest among the groups gnomAD compares: Non-Finnish European, 0.00025%; no homozygotes.

Submission:

Labcorp Genetics (formerly Invitae), Labcorp
Classification: Uncertain significance. Last evaluated: 2022-05-03. Review status: criteria provided, single submitter. Criteria: Invitae Variant Classification Sherloc (09022015). Collection method: clinical testing. Allele origin: germline.
Comment: Algorithms developed to predict the effect of missense changes on protein structure and function (SIFT, PolyPhen-2, Align-GVGD) all suggest that this variant is likely to be disruptive. In summary, the available evidence is currently insufficient to determine the role of this variant in disease. Therefore, it has been classified as a Variant of Uncertain Significance. This sequence change replaces arginine, which is basic and polar, with histidine, which is basic and polar, at codon 3218 of the VCAN protein (p.Arg3218His). This variant is present in population databases (rs770894290, gnomAD 0.0009%). This variant has not been reported in the literature in individuals affected with VCAN-related conditions.